The following is an entry in ClinVar:

NM_004606.5(TAF1):c.428C>T (p.Pro143Leu)

Gene: TAF1 (TATA-box binding protein associated factor 1; plus strand). Cytogenetic location: Xq13.1.
Variant type: single nucleotide variant.
Coding change: c.428C>T on transcript NM_004606.5 (MANE Select); coding-DNA position 428, C replaced by T.
Protein change: p.Pro143Leu; replaces proline 143 with leucine.
Molecular consequence: missense variant. On other transcripts: non-coding transcript variant (9).
Genome position (GRCh38, 1-based): chrX:71,375,242, C>T. VCF-style: chrX-71375242-C-T. GRCh37 (hg19) VCF-style: chrX-70595092-C-T.
Other names: c.428C>T, p.Pro143Leu (NM_001286074.2, NM_138923.4); short protein forms P143L.
Identifiers: ClinVar variation 390638 (VCV000390638.5), dbSNP rs767354861, ClinGen allele CA10446567.

ClinVar aggregate classification (germline): Conflicting classifications of pathogenicity. Review status: criteria provided, conflicting classifications (1 of 4 stars). 3 submissions from 3 submitters: Pathogenic (1); Likely pathogenic (1); Benign (1). Last evaluated 2025-05-27.

Conditions:
Intellectual developmental disorder, X-linked, syndromic 33. Also called: X-linked intellectual disability-global development delay-facial dysmorphism-sacral caudal remnant syndrome; Intellectual disability, X-linked, syndromic 33. Identifiers: Orphanet 480907, MedGen C4225418, MONDO:0010500, OMIM 300966.

Allele frequency attached by ClinVar (database versions not stated): gnomAD 0.00001; gnomAD exomes 0.00001 and 0.00005; ExAC 0.00010; TOPMed 0.00001.
gnomAD v4.1: 17 of 1,208,554 alleles (0.0014%); highest among the groups gnomAD compares: Admixed American, 0.0044%; no homozygotes.

Submissions (3):

Labcorp Genetics (formerly Invitae), Labcorp
Classification: Benign. Last evaluated: 2025-05-27. Review status: criteria provided, single submitter. Criteria: Invitae Variant Classification Sherloc (09022015). Collection method: clinical testing. Allele origin: germline.

Mendelics
Classification: Pathogenic for Intellectual developmental disorder, X-linked, syndromic 33. Last evaluated: 2022-05-04. Review status: criteria provided, single submitter. Criteria: Mendelics Assertion Criteria 2019. Collection method: clinical testing. Allele origin: germline.

GeneDx
Classification: Likely pathogenic. Last evaluated: 2016-11-15. Review status: criteria provided, single submitter. Criteria: GeneDx Variant Classification (06012015). Collection method: clinical testing. Allele origin: germline. Affected: yes.
Comment: The P163L variant in the TAF1 gene has not been reported previously as a pathogenic variant, nor as a benign variant, to our knowledge. The P163L variant was not observed in approximately 6500 individuals of European and African American ancestry in the NHLBI Exome Sequencing Project, indicating it is not a common benign variant in these populations. The P163L variant is a semi-conservative amino acid substitution, which may impact secondary protein structure as these residues differ in some properties. This substitution occurs at a position that is not conserved. In silico analysis is inconsistent in its predictions as to whether or not the variant is damaging to the protein structure/function. The P163L variant is a strong candidate for a pathogenic variant